The following is an entry in ClinVar:

ClinVar aggregate classification (germline): Uncertain significance (1 of 4 stars; one submission).

Conditions:
FN1-related disorder. Also called: FN1-related condition.

Submission:

PreventionGenetics, part of Exact Sciences
Classification: Uncertain significance for FN1-related condition. Last evaluated: 2023-03-20. Review status: criteria provided, single submitter. Criteria: ACMG Guidelines, 2015. Collection method: clinical testing. Allele origin: germline.
Comment: The FN1 c.1503T>G variant is predicted to result in the amino acid substitution p.Asn501Lys. To our knowledge, this variant has not been reported in the literature or in a large population database, indicating this variant is rare. At this time, the clinical significance of this variant is uncertain due to the absence of conclusive functional and genetic evidence.

NM_212482.4(FN1):c.1503T>G (p.Asn501Lys)

Gene: FN1 (fibronectin 1; minus strand). Cytogenetic location: 2q35.
Variant type: single nucleotide variant.
Coding change: c.1503T>G on transcript NM_212482.4 (MANE Select); coding-DNA position 1503, T replaced by G.
Protein change: p.Asn501Lys; replaces asparagine 501 with lysine.
Molecular consequence: missense variant.
Genome position (GRCh38, 1-based): chr2:215,422,134, A>C on the plus strand (T>G on the coding strand, the complement: FN1 is on the minus strand). VCF-style: chr2-215422134-A-C. GRCh37 (hg19) VCF-style: chr2-216286857-A-C.
Other names: c.1503T>G, p.Asn501Lys (NM_001306129.2, NM_001306130.2, NM_001306131.2 and 14 more transcripts); short protein forms N501K.
Identifiers: ClinVar variation 2633624 (VCV002633624.1), dbSNP rs2470339225, ClinGen allele CA350469099.